The following is an entry in ClinVar:

ClinVar aggregate classification (germline): Uncertain significance (1 of 4 stars; one submission).

Conditions:
Cardiovascular phenotype. Identifiers: MedGen CN230736.

Submission:

Ambry Genetics
Classification: Uncertain significance for Cardiovascular phenotype. Last evaluated: 2026-03-07. Review status: criteria provided, single submitter. Criteria: Ambry Variant Classification Scheme 2023. Collection method: clinical testing. Allele origin: germline.
Comment: The p.Q662R variant (also known as c.1985A>G), located in coding exon 1 of the ZNF469 gene, results from an A to G substitution at nucleotide position 1985. The glutamine at codon 662 is replaced by arginine, an amino acid with highly similar properties. This amino acid position is conserved. In addition, this alteration is predicted to be tolerated by in silico analysis. Based on the available evidence, the clinical significance of this variant remains unclear.

NM_001127464.1:c.1985A>G

Gene: ZNF469 (zinc finger protein 469; plus strand).
Variant type: single nucleotide variant.
Identifiers: ClinVar variation 4826325 (VCV004826325.1).